The following is an entry in ClinVar:

ClinVar aggregate classification (germline): Likely benign. Review status: criteria provided, multiple submitters, no conflicts (2 of 4 stars). 2 submissions from 2 submitters: Likely benign (2). Last evaluated 2025-12-20.

Conditions:
Fanconi anemia (FA). Also called: Fanconi's anemia. Identifiers: Orphanet 84, MedGen C0015625, MeSH D005199, MONDO:0019391.

Allele frequency attached by ClinVar (database versions not stated): gnomAD 0.00001; gnomAD exomes 0.00001 and 0.00002; ExAC 0.00002; TOPMed 0.00002.

Submissions (2):

Labcorp Genetics (formerly Invitae), Labcorp
Classification: Likely benign for Fanconi anemia. Last evaluated: 2025-12-20. Review status: criteria provided, single submitter. Criteria: Invitae Variant Classification Sherloc (09022015). Collection method: clinical testing. Allele origin: germline.

CeGaT Center for Human Genetics Tuebingen
Classification: Likely benign. Last evaluated: 2024-08-01. Review status: criteria provided, single submitter. Criteria: CeGaT Center For Human Genetics Tuebingen Variant Classification Criteria Version 2. Collection method: clinical testing. Allele origin: germline. Affected: yes. Observed: 1 variant allele.
Comment: FANCF: BP4, BP7

NM_022725.4(FANCF):c.675C>T (p.Gly225=)

Gene: FANCF (FA complementation group F; minus strand). Cytogenetic location: 11p14.3.
Variant type: single nucleotide variant.
Coding change: c.675C>T on transcript NM_022725.4 (MANE Select); coding-DNA position 675, C replaced by T.
Protein change: p.Gly225=; no amino-acid change (glycine 225 retained).
Molecular consequence: synonymous variant.
Genome position (GRCh38, 1-based): chr11:22,625,136, G>A on the plus strand (C>T on the coding strand, the complement: FANCF is on the minus strand). VCF-style: chr11-22625136-G-A. GRCh37 (hg19) VCF-style: chr11-22646682-G-A.
Identifiers: ClinVar variation 1106560 (VCV001106560.25), dbSNP rs767689033, ClinGen allele CA5924280.